The following is an entry in ClinVar:

ClinVar aggregate classification (germline): Pathogenic (1 of 4 stars; one submission).

Conditions:
X-linked Alport syndrome (ATS1). Also called: COL4A5-Related Nephropathy; NEPHROPATHY AND DEAFNESS, X-LINKED. Identifiers: Orphanet 63, Orphanet 88917, MedGen C4746986, MONDO:0010520, OMIM 301050.

Submission:

Variantyx, Inc.
Classification: Pathogenic for X-linked Alport syndrome. Last evaluated: 2025-04-06. Review status: criteria provided, single submitter. Criteria: Variantyx Assertion Criteria 2022. Collection method: clinical testing. Allele origin: maternal. Inheritance: X-linked dominant inheritance. Affected: yes.
Comment: This is an intronic variant in the COL4A5 gene (OMIM: 303630). Pathogenic variants in this gene have been associated with X-linked Alport syndrome 1. This variant is expected to result in loss of function, which is a known disease mechanism for COL4A5 in this disorder (PMID: 9195222, 10752524, 14514738, 24854265, 26809805) (PVS1). This variant has been reported in at least 2 affected individuals (PMID: 34508137) (PS4). This variant is absent from control populations (PM2). Algorithms that predict the potential impact of variants on RNA splicing provide conflicting evidence regarding the effect on splicing. Based on the current evidence, this variant is classified as pathogenic for X-linked Alport syndrome 1.

Literature cited by the submitters: PubMed 34508137; PubMed 9195222; PubMed 10752524; PubMed 14514738; PubMed 24854265; PubMed 26809805.

NM_033380.3(COL4A5):c.277-559A>G

Gene: COL4A5 (collagen type IV alpha 5 chain; plus strand). Cytogenetic location: Xq22.3.
Variant type: single nucleotide variant.
Coding change: c.277-559A>G on transcript NM_033380.3 (MANE Select); 559 bases into the intron before coding-DNA position 277, A replaced by G.
Molecular consequence: intron variant.
Genome position (GRCh38, 1-based): chrX:108,568,070, A>G. VCF-style: chrX-108568070-A-G. GRCh37 (hg19) VCF-style: chrX-107811300-A-G.
Other names: c.277-559A>G (NM_000495.5).
Identifiers: ClinVar variation 4795930 (VCV004795930.1).
Genomic context (GRCh38, chrX:108,568,070, plus strand): 5'-CATATTTTGTTTCATAATTTCTAGGGTATCTTCAGGACAGATTCTTAGAAGTGAAATGCT[A>G]GGTCAAAGGGCAAATGCATGGGTAATTTTGCTAGATATTTTCAAATTTCTCTCCATAGAG-3'